The following is an entry in ClinVar:

NM_001172303.3(MASTL):c.-27T>C

Gene: MASTL (microtubule associated serine/threonine kinase like; plus strand). Cytogenetic location: 10p12.1.
Variant type: single nucleotide variant.
Coding change: c.-27T>C on transcript NM_001172303.3 (MANE Select); 27 bases upstream of the start codon, T replaced by C.
Molecular consequence: 5 prime UTR variant. On other transcripts: non-coding transcript variant (1).
Genome position (GRCh38, 1-based): chr10:27,155,400, T>C. VCF-style: chr10-27155400-T-C. GRCh37 (hg19) VCF-style: chr10-27444329-T-C.
Other names: c.-27T>C (NM_001172304.3, NM_001320756.2, NM_001320757.2 and 1 more transcripts); c.-630T>C (NM_001372029.1, NM_001372030.1).
Identifiers: ClinVar variation 262112 (VCV000262112.10), dbSNP rs7907981, ClinGen allele CA5449850.

ClinVar aggregate classification (germline): Benign. Review status: criteria provided, multiple submitters, no conflicts (2 of 4 stars). 4 submissions from 4 submitters: Benign (4). Last evaluated 2021-06-19.

Conditions:
Thrombocytopenia. Identifiers: MedGen C0040034, MeSH D013921, MONDO:0002049, HP:0001873.

Allele frequency attached by ClinVar (database versions not stated): TOPMed 0.78135; 1000 Genomes Project 0.81550; gnomAD 0.79307 and 0.79017; ESP Exome Variant Server 0.63243; 1000 Genomes Project 30x 0.81605.

Submissions (4):

GeneDx
Classification: Benign. Last evaluated: 2021-06-19. Review status: criteria provided, single submitter. Criteria: GeneDx Variant Classification Process June 2021. Collection method: clinical testing. Allele origin: germline. Affected: yes.

Illumina Laboratory Services, Illumina
Classification: Benign for Thrombocytopenia. Last evaluated: 2018-01-13. Review status: criteria provided, single submitter. Criteria: ICSL Variant Classification Criteria 13 December 2019. Collection method: clinical testing. Allele origin: germline.
Comment: This variant was observed in the ICSL laboratory as part of a predisposition screen in an ostensibly healthy population. It had not been previously curated by ICSL or reported in the Human Gene Mutation Database (HGMD: prior to June 1st, 2018), and was therefore a candidate for classification through an automated scoring system. Utilizing variant allele frequency, disease prevalence and penetrance estimates, and inheritance mode, an automated score was calculated to assess if this variant is too frequent to cause the disease. Based on the score and internal cut-off values, a variant classified as benign is not then subjected to further curation. The score for this variant resulted in a classification of benign for this disease.

Breakthrough Genomics
Classification: Benign. Review status: criteria provided, single submitter. Criteria: ACMG Guidelines, 2015. Collection method: not provided. Allele origin: germline. Inheritance: Unknown mechanism. Affected: yes.

PreventionGenetics, part of Exact Sciences
Classification: Benign. Review status: criteria provided, single submitter. Criteria: ACMG Guidelines, 2015. Collection method: clinical testing. Allele origin: germline.